The following is an entry in ClinVar:

ClinVar aggregate classification (germline): Uncertain significance. Review status: criteria provided, multiple submitters, no conflicts (2 of 4 stars). 2 submissions from 2 submitters: Uncertain significance (2). Last evaluated 2023-04-18.

Conditions:
Hereditary cancer-predisposing syndrome. Also called: Neoplastic Syndromes, Hereditary; Tumor predisposition; Hereditary neoplastic syndrome; Hereditary Cancer Syndrome. Identifiers: Orphanet 140162, MedGen C0027672, MeSH D009386, MONDO:0015356.

Allele frequency attached by ClinVar (database versions not stated): gnomAD exomes below 0.00001 and 0.00001; ExAC 0.00002.
gnomAD v4.1: 4 of 1,614,018 alleles (0.00025%); highest among the groups gnomAD compares: Admixed American, 0.0017%; no homozygotes.

Submissions (2):

Ambry Genetics
Classification: Uncertain significance for Hereditary cancer-predisposing syndrome. Last evaluated: 2023-04-18. Review status: criteria provided, single submitter. Criteria: Ambry Variant Classification Scheme 2023. Collection method: clinical testing. Allele origin: germline.
Comment: The p.T2230I variant (also known as c.6689C>T), located in coding exon 48 of the POLE gene, results from a C to T substitution at nucleotide position 6689. The threonine at codon 2230 is replaced by isoleucine, an amino acid with similar properties. This amino acid position is conserved. In addition, this alteration is predicted to be tolerated by in silico analysis. Since supporting evidence is limited at this time, the clinical significance of this alteration remains unclear.

Labcorp Genetics (formerly Invitae), Labcorp
Classification: Uncertain significance. Last evaluated: 2022-03-13. Review status: criteria provided, single submitter. Criteria: Invitae Variant Classification Sherloc (09022015). Collection method: clinical testing. Allele origin: germline.
Comment: This variant has not been reported in the literature in individuals affected with POLE-related conditions. This variant is present in population databases (rs760480789, gnomAD 0.002%). This sequence change replaces threonine, which is neutral and polar, with isoleucine, which is neutral and non-polar, at codon 2230 of the POLE protein (p.Thr2230Ile). Algorithms developed to predict the effect of missense changes on protein structure and function (SIFT, PolyPhen-2, Align-GVGD) all suggest that this variant is likely to be tolerated. In summary, the available evidence is currently insufficient to determine the role of this variant in disease. Therefore, it has been classified as a Variant of Uncertain Significance.

NM_006231.4(POLE):c.6689C>T (p.Thr2230Ile)

Gene: POLE (DNA polymerase epsilon, catalytic subunit; minus strand). Cytogenetic location: 12q24.33.
Variant type: single nucleotide variant.
Coding change: c.6689C>T on transcript NM_006231.4 (MANE Select); coding-DNA position 6689, C replaced by T.
Protein change: p.Thr2230Ile; replaces threonine 2230 with isoleucine.
Molecular consequence: missense variant.
Genome position (GRCh38, 1-based): chr12:132,624,963, G>A on the plus strand (C>T on the coding strand, the complement: POLE is on the minus strand). VCF-style: chr12-132624963-G-A. GRCh37 (hg19) VCF-style: chr12-133201549-G-A.
Other names: c.6689C>T (NM_006231.2); short protein forms T2230I.
Identifiers: ClinVar variation 1368639 (VCV001368639.7), dbSNP rs760480789, ClinGen allele CA6892013.